The following is an entry in ClinVar:

ClinVar aggregate classification (germline): Uncertain significance (1 of 4 stars; one submission).

Allele frequency attached by ClinVar (database versions not stated): ExAC 0.00001; gnomAD 0.00001; TOPMed 0.00002.
gnomAD v4.1: 19 of 1,613,748 alleles (0.0012%); highest among the groups gnomAD compares: Admixed American, 0.0017%; no homozygotes.

Submission:

Labcorp Genetics (formerly Invitae), Labcorp
Classification: Uncertain significance. Last evaluated: 2023-01-19. Review status: criteria provided, single submitter. Criteria: Invitae Variant Classification Sherloc (09022015). Collection method: clinical testing. Allele origin: germline.
Comment: This variant has not been reported in the literature in individuals affected with CLCN7-related conditions. This variant is present in population databases (rs538186474, gnomAD 0.003%). This sequence change replaces glycine, which is neutral and non-polar, with arginine, which is basic and polar, at codon 57 of the CLCN7 protein (p.Gly57Arg). Algorithms developed to predict the effect of missense changes on protein structure and function are either unavailable or do not agree on the potential impact of this missense change (SIFT: "Tolerated"; PolyPhen-2: "Possibly Damaging"; Align-GVGD: "Class C0"). In summary, the available evidence is currently insufficient to determine the role of this variant in disease. Therefore, it has been classified as a Variant of Uncertain Significance.

NM_001287.6(CLCN7):c.169G>A (p.Gly57Arg)

Gene: CLCN7 (chloride voltage-gated channel 7; minus strand). Cytogenetic location: 16p13.3.
Variant type: single nucleotide variant.
Coding change: c.169G>A on transcript NM_001287.6 (MANE Select); coding-DNA position 169, G replaced by A.
Protein change: p.Gly57Arg; replaces glycine 57 with arginine.
Molecular consequence: missense variant. On other transcripts: intron variant (1).
Genome position (GRCh38, 1-based): chr16:1,465,311, C>T on the plus strand (G>A on the coding strand, the complement: CLCN7 is on the minus strand). VCF-style: chr16-1465311-C-T. GRCh37 (hg19) VCF-style: chr16-1515312-C-T.
Other names: c.142-3637G>A (NM_001114331.3); short protein forms G57R.
Identifiers: ClinVar variation 1929004 (VCV001929004.5), dbSNP rs538186474, ClinGen allele CA7810910.
Genomic context (GRCh38, chr16:1,465,311, plus strand): 5'-AACACCCCCAACTCACCGGGTCCAAAAGTTCATCATCCAGCTCCACGCTGCTCATATGTC[C>T]GACTCGGAAAAGCGCAGAACGTGGTGACTAAAAGCAGAAGAGAAATCATGAGGGCGCTCA-3'
Protein context (NP_001278.1, residues 47-67): QSPRSALFRV[Gly57Arg]HMSSVELDDE